The following is an entry in ClinVar:

ClinVar aggregate classification (germline): Pathogenic/Likely pathogenic. Review status: criteria provided, multiple submitters, no conflicts (2 of 4 stars). 3 submissions from 3 submitters: Pathogenic (2); Likely pathogenic (1). Last evaluated 2025-10-03.

Allele frequency attached by ClinVar (database versions not stated): gnomAD 0.00001; gnomAD exomes below 0.00001 and 0.00001; TOPMed 0.00002.
gnomAD v4.1: 10 of 1,613,858 alleles (0.00062%); highest among the groups gnomAD compares: Admixed American, 0.0033%; no homozygotes.

Submissions (3):

Dasa
Classification: Pathogenic. Last evaluated: 2025-10-03. Review status: criteria provided, single submitter. Criteria: DASA Assertion Criteria. Collection method: clinical testing. Allele origin: germline.
Comment: NM_017755.6(NSUN2):c.1222C>T (p.Arg408*) introduces a premature termination codon. Loss-of-function is an established mechanism of disease for this gene. The variant has been reported in individuals with autosomal recessive intellectual disability (ClinVar VCV1690829). It is present at low frequency in population datasets. Based on the available data, this variant is classified as pathogenic.

Labcorp Genetics (formerly Invitae), Labcorp
Classification: Pathogenic. Last evaluated: 2025-01-23. Review status: criteria provided, single submitter. Criteria: Invitae Variant Classification Sherloc (09022015). Collection method: clinical testing. Allele origin: germline.
Comment: This sequence change creates a premature translational stop signal (p.Arg408*) in the NSUN2 gene. It is expected to result in an absent or disrupted protein product. Loss-of-function variants in NSUN2 are known to be pathogenic (PMID: 22541559, 22577224). This variant is present in population databases (no rsID available, gnomAD 0.003%). This variant has not been reported in the literature in individuals affected with NSUN2-related conditions. ClinVar contains an entry for this variant (Variation ID: 1690829). For these reasons, this variant has been classified as Pathogenic.

Laboratorio de Genetica e Diagnostico Molecular, Hospital Israelita Albert Einstein
Classification: Likely pathogenic. Last evaluated: 2020-02-27. Review status: criteria provided, single submitter. Criteria: ACMG Guidelines, 2015. Collection method: clinical testing. Allele origin: germline. Affected: yes.
Comment: ACMG classification criteria: PVS1, PM2

Literature cited by the submitters: PubMed 22541559 (cited by Labcorp Genetics (formerly Invitae), Labcorp); PubMed 22577224 (cited by Labcorp Genetics (formerly Invitae), Labcorp).

NM_017755.6(NSUN2):c.1222C>T (p.Arg408Ter)

Gene: NSUN2 (NOP2/Sun RNA methyltransferase 2; minus strand). Cytogenetic location: 5p15.31.
Variant type: single nucleotide variant.
Coding change: c.1222C>T on transcript NM_017755.6 (MANE Select); coding-DNA position 1222, C replaced by T.
Protein change: p.Arg408Ter; replaces arginine 408 with a stop codon.
Molecular consequence: nonsense. On other transcripts: non-coding transcript variant (1).
Genome position (GRCh38, 1-based): chr5:6,610,959, G>A on the plus strand (C>T on the coding strand, the complement: NSUN2 is on the minus strand). VCF-style: chr5-6610959-G-A. GRCh37 (hg19) VCF-style: chr5-6611072-G-A.
Other names: c.1117C>T, p.Arg373Ter (NM_001193455.2); short protein forms R373*, R408*.
Identifiers: ClinVar variation 1690829 (VCV001690829.7), dbSNP rs1221890051, ClinGen allele CA359121269.